The following is an entry in ClinVar:

ClinVar aggregate classification (germline): Benign (1 of 4 stars; one submission).

Allele frequency attached by ClinVar (database versions not stated): 1000 Genomes Project 0.09485; 1000 Genomes Project 30x 0.09603; TOPMed 0.11544; gnomAD 0.11562 and 0.11850.
gnomAD v4.1: 17,646 of 152,206 alleles (12%); highest among the groups gnomAD compares: African/African-American, 13%; 1,042 homozygotes.

Submission:

GeneDx
Classification: Benign. Last evaluated: 2018-06-19. Review status: criteria provided, single submitter. Criteria: GeneDx Variant Classification (06012015). Collection method: clinical testing. Allele origin: germline. Affected: yes.
Comment: This variant is considered likely benign or benign based on one or more of the following criteria: it is a conservative change, it occurs at a poorly conserved position in the protein, it is predicted to be benign by multiple in silico algorithms, and/or has population frequency not consistent with disease.

NM_000501.4(ELN):c.2132-286A>G

Gene: ELN (elastin; plus strand). Cytogenetic location: 7q11.23.
Variant type: single nucleotide variant.
Coding change: c.2132-286A>G on transcript NM_000501.4 (MANE Select); 286 bases into the intron before coding-DNA position 2132, A replaced by G.
Molecular consequence: intron variant.
Genome position (GRCh38, 1-based): chr7:74,068,371, A>G. VCF-style: chr7-74068371-A-G. GRCh37 (hg19) VCF-style: chr7-73482701-A-G.
Other names: c.2093-286A>G (NM_001081754.3); c.2036-286A>G (NM_001081753.3); c.2318-286A>G (NM_001278939.2); c.2150-286A>G (NM_001278915.2); c.2078-286A>G (NM_001278912.2); c.2075-286A>G (NM_001081755.3); c.1934-286A>G (NM_001278916.2); c.1889-286A>G (NM_001278913.2); and 4 more.
Identifiers: ClinVar variation 683510 (VCV000683510.1), dbSNP rs11760714, ClinGen allele CA12615199.